The following is an entry in ClinVar:

NM_014727.3(KMT2B):c.5364G>A (p.Pro1788=)

Gene: KMT2B (lysine methyltransferase 2B; plus strand). Cytogenetic location: 19q13.12.
Variant type: single nucleotide variant.
Coding change: c.5364G>A on transcript NM_014727.3 (MANE Select); coding-DNA position 5364, G replaced by A.
Protein change: p.Pro1788=; no amino-acid change (proline 1788 retained).
Molecular consequence: synonymous variant.
Genome position (GRCh38, 1-based): chr19:35,730,794, G>A. VCF-style: chr19-35730794-G-A. GRCh37 (hg19) VCF-style: chr19-36221695-G-A.
Identifiers: ClinVar variation 1897896 (VCV001897896.29), dbSNP rs746794862, ClinGen allele CA9385385.

ClinVar aggregate classification (germline): Likely benign. Review status: criteria provided, multiple submitters, no conflicts (2 of 4 stars). 2 submissions from 2 submitters: Likely benign (2). Last evaluated 2024-12-01.

Allele frequency attached by ClinVar (database versions not stated): gnomAD exomes 0.00003; TOPMed 0.00003; ExAC 0.00006.
gnomAD v4.1: 47 of 1,613,622 alleles (0.0029%); highest among the groups gnomAD compares: Non-Finnish European, 0.0033%; no homozygotes.

Submissions (2):

CeGaT Center for Human Genetics Tuebingen
Classification: Likely benign. Last evaluated: 2024-12-01. Review status: criteria provided, single submitter. Criteria: CeGaT Center For Human Genetics Tuebingen Variant Classification Criteria Version 2. Collection method: clinical testing. Allele origin: germline. Affected: yes. Observed: 2 variant alleles.
Comment: KMT2B: BP4, BP7

Labcorp Genetics (formerly Invitae), Labcorp
Classification: Likely benign. Last evaluated: 2024-10-16. Review status: criteria provided, single submitter. Criteria: Invitae Variant Classification Sherloc (09022015). Collection method: clinical testing. Allele origin: germline.